The following is an entry in ClinVar:

NM_005359.6(SMAD4):c.1310T>G (p.Val437Gly)

Gene: SMAD4 (SMAD family member 4; plus strand). Cytogenetic location: 18q21.2.
Variant type: single nucleotide variant.
Coding change: c.1310T>G on transcript NM_005359.6 (MANE Select); coding-DNA position 1310, T replaced by G.
Protein change: p.Val437Gly; replaces valine 437 with glycine.
Molecular consequence: missense variant.
Genome position (GRCh38, 1-based): chr18:51,076,639, T>G. VCF-style: chr18-51076639-T-G. GRCh37 (hg19) VCF-style: chr18-48603009-T-G.
Other names: short protein forms V437G.
Identifiers: ClinVar variation 187708 (VCV000187708.5), dbSNP rs786203940, ClinGen allele CA198370.
Genomic context (GRCh38, chr18:51,076,639, plus strand): 5'-TTTTAATGTATGGAATTTTTCTTTATGAACTCATAGTATGAAATGTTTTTTCTTAAAAGG[T>G]CTTTGATTTGCGTCAGTGTCATCGACAGATGCAGCAGCAGGCGGCTACTGCACAAGCTGC-3'
Protein context (NP_005350.1, residues 427-447): HKIYPSAYIK[Val437Gly]FDLRQCHRQM

ClinVar aggregate classification (germline): Uncertain significance (1 of 4 stars; one submission).

Conditions:
Familial thoracic aortic aneurysm and aortic dissection (TAAD). Also called: Thoracic aortic aneurysms and dissections. Identifiers: Orphanet 91387, MedGen C4707243, MONDO:0019625.
Hereditary cancer-predisposing syndrome. Also called: Neoplastic Syndromes, Hereditary; Tumor predisposition; Hereditary Cancer Syndrome; Hereditary neoplastic syndrome. Identifiers: Orphanet 140162, MedGen C0027672, MeSH D009386, MONDO:0015356.

Submission:

Ambry Genetics
Classification: Uncertain significance for Hereditary cancer-predisposing syndrome; Familial thoracic aortic aneurysm and aortic dissection. Last evaluated: 2014-12-24. Review status: criteria provided, single submitter. Criteria: Ambry Variant Classification Scheme 2023. Collection method: clinical testing. Allele origin: germline.
Comment: The p.V437G variant (also known as c.1310T>G), located in coding exon 10 of the SMAD4 gene, results from a T to G substitution at nucleotide position 1310. The valine at codon 437 is replaced by glycine, an amino acid with dissimilar properties. This variant was not reported in population based cohorts in the following databases: Database of Single Nucleotide Polymorphisms (dbSNP), NHLBI Exome Sequencing Project (ESP), and 1000 Genomes Project. In the ESP, this variant was not observed in 6503 samples (13006 alleles) with coverage at this position. To date, this alteration has been detected with an allele frequency of approximately 0.005% (greater than 20,000 alleles tested) in our clinical cohort. This amino acid position is highly conserved in available vertebrate species. Using the BDGP and ESEfinder splice site prediction tools, this alteration is predicted to weaken the efficiency of the native acceptor splice site; however, direct evidence is unavailable. In addition, this alteration is predicted to be deleterious by in silico analysis. Since supporting evidence is limited at this time, the clinical significance of p.V437G remains unclear.